The following is an entry in ClinVar:

ClinVar aggregate classification (germline): Likely benign. Review status: criteria provided, single submitter (1 of 4 stars). 2 submissions from 2 submitters: Likely benign (1). 1 of the submissions does not count toward it. Last evaluated 2025-10-23.

Conditions:
ADAMTSL4-related disorder. Also called: ADAMTSL4-Related Disorders; ADAMTSL4-related condition.

Allele frequency attached by ClinVar (database versions not stated): gnomAD exomes 0.00014; ExAC 0.00018; 1000 Genomes Project 0.00040; 1000 Genomes Project 30x 0.00047; gnomAD 0.00074 and 0.00081; ESP Exome Variant Server 0.00085; TOPMed 0.00095.
gnomAD v4.1: 223 of 1,606,636 alleles (0.014%); highest among the groups gnomAD compares: African/African-American, 0.27%; no homozygotes.

Submissions (2):

Labcorp Genetics (formerly Invitae), Labcorp
Classification: Likely benign. Last evaluated: 2025-10-23. Review status: criteria provided, single submitter. Criteria: Invitae Variant Classification Sherloc (09022015). Collection method: clinical testing. Allele origin: germline.

PreventionGenetics, part of Exact Sciences
Classification: Likely benign for ADAMTSL4-related condition. Last evaluated: 2024-01-05. Review status: no assertion criteria provided. Collection method: clinical testing. Allele origin: germline. Not counted in ClinVar's aggregate classification.
Comment: This variant is classified as likely benign based on ACMG/AMP sequence variant interpretation guidelines (Richards et al. 2015 PMID: 25741868, with internal and published modifications).

NM_019032.6(ADAMTSL4):c.382C>T (p.Pro128Ser)

Genes: ADAMTSL4 (ADAMTS like 4; plus strand), ADAMTSL4-AS2 (ADAMTSL4 antisense RNA 2; minus strand). Cytogenetic location: 1q21.2.
Variant type: single nucleotide variant.
Coding change: c.382C>T on transcript NM_019032.6 (MANE Select); coding-DNA position 382, C replaced by T.
Protein change: p.Pro128Ser; replaces proline 128 with serine.
Molecular consequence: missense variant.
Genome position (GRCh38, 1-based): chr1:150,553,201, C>T. VCF-style: chr1-150553201-C-T. GRCh37 (hg19) VCF-style: chr1-150525677-C-T.
Other names: c.382C>T, p.Pro128Ser (NM_001288607.2, NM_001288608.2, NM_001378596.1 and 1 more transcripts); c.382C>T (NM_019032.5); short protein forms P128S.
Identifiers: ClinVar variation 1593480 (VCV001593480.10), dbSNP rs150944841, ClinGen allele CA1077936.